The following is an entry in ClinVar:

ClinVar aggregate classification (germline): Uncertain significance (1 of 4 stars; one submission).

Conditions:
DICER1-related tumor predisposition. Also called: DICER1 syndrome; DICER1-related pleuropulmonary blastoma cancer predisposition syndrome. Identifiers: Orphanet 284343, MedGen C3839822, MONDO:0100216.

Submission:

Labcorp Genetics (formerly Invitae), Labcorp
Classification: Uncertain significance for DICER1-related tumor predisposition. Last evaluated: 2022-03-15. Review status: criteria provided, single submitter. Criteria: Invitae Variant Classification Sherloc (09022015). Collection method: clinical testing. Allele origin: germline.
Comment: This sequence change replaces leucine, which is neutral and non-polar, with proline, which is neutral and non-polar, at codon 792 of the DICER1 protein (p.Leu792Pro). This variant is not present in population databases (gnomAD no frequency). This variant has not been reported in the literature in individuals affected with DICER1-related conditions. Algorithms developed to predict the effect of missense changes on protein structure and function (SIFT, PolyPhen-2, Align-GVGD) all suggest that this variant is likely to be disruptive. In summary, the available evidence is currently insufficient to determine the role of this variant in disease. Therefore, it has been classified as a Variant of Uncertain Significance.

NM_177438.3(DICER1):c.2375T>C (p.Leu792Pro)

Gene: DICER1 (dicer 1, ribonuclease III; minus strand). Cytogenetic location: 14q32.13.
Variant type: single nucleotide variant.
Coding change: c.2375T>C on transcript NM_177438.3 (MANE Select); coding-DNA position 2375, T replaced by C.
Protein change: p.Leu792Pro; replaces leucine 792 with proline.
Molecular consequence: missense variant. On other transcripts: non-coding transcript variant (6).
Genome position (GRCh38, 1-based): chr14:95,108,385, A>G on the plus strand (T>C on the coding strand, the complement: DICER1 is on the minus strand). VCF-style: chr14-95108385-A-G. GRCh37 (hg19) VCF-style: chr14-95574722-A-G.
Other names: c.2375T>C, p.Leu792Pro (NM_001195573.1, NM_001271282.3, NM_001291628.2 and 13 more transcripts); c.2093T>C, p.Leu698Pro (NM_001395686.1); c.1970T>C, p.Leu657Pro (NM_001395687.1, NM_001395688.1, NM_001395689.1 and 2 more transcripts); c.1808T>C, p.Leu603Pro (NM_001395691.1); c.692T>C, p.Leu231Pro (NM_001395697.1); short protein forms L698P, L231P, L603P, L657P, L792P.
Identifiers: ClinVar variation 2112816 (VCV002112816.1), dbSNP rs2542853498, ClinGen allele CA390882177.